The following is an entry in ClinVar:

ClinVar aggregate classification (germline): Uncertain significance. Review status: criteria provided, multiple submitters, no conflicts (2 of 4 stars). 2 submissions from 2 submitters: Uncertain significance (2). Last evaluated 2025-02-10.

Allele frequency attached by ClinVar (database versions not stated): gnomAD 0.00009.
gnomAD v4.1: 20 of 1,590,920 alleles (0.0013%); highest among the groups gnomAD compares: African/African-American, 0.024%; no homozygotes.

Submissions (2):

Ambry Genetics
Classification: Uncertain significance. Last evaluated: 2025-02-10. Review status: criteria provided, single submitter. Criteria: Ambry Variant Classification Scheme 2023. Collection method: clinical testing. Allele origin: germline.

Labcorp Genetics (formerly Invitae), Labcorp
Classification: Uncertain significance. Last evaluated: 2022-07-12. Review status: criteria provided, single submitter. Criteria: Invitae Variant Classification Sherloc (09022015). Collection method: clinical testing. Allele origin: germline.
Comment: This sequence change replaces arginine, which is basic and polar, with cysteine, which is neutral and slightly polar, at codon 8 of the MESDC2 protein (p.Arg8Cys). This variant is present in population databases (rs758532744, gnomAD 0.02%). This variant has not been reported in the literature in individuals affected with MESDC2-related conditions. Algorithms developed to predict the effect of missense changes on protein structure and function output the following: SIFT: "Tolerated"; PolyPhen-2: "Benign"; Align-GVGD: "Class C0". The cysteine amino acid residue is found in multiple mammalian species, which suggests that this missense change does not adversely affect protein function. In summary, the available evidence is currently insufficient to determine the role of this variant in disease. Therefore, it has been classified as a Variant of Uncertain Significance.

NM_015154.3(MESD):c.22C>T (p.Arg8Cys)

Genes: MESD (mesoderm development LRP chaperone; minus strand), LOC121530597 (Sharpr-MPRA regulatory region 7880; plus strand). Cytogenetic location: 15q25.1.
Variant type: single nucleotide variant.
Coding change: c.22C>T on transcript NM_015154.3 (MANE Select); coding-DNA position 22, C replaced by T.
Protein change: p.Arg8Cys; replaces arginine 8 with cysteine.
Molecular consequence: missense variant. On other transcripts: non-coding transcript variant (2).
Genome position (GRCh38, 1-based): chr15:80,989,770, G>A on the plus strand (C>T on the coding strand, the complement: MESD is on the minus strand). VCF-style: chr15-80989770-G-A. GRCh37 (hg19) VCF-style: chr15-81282111-G-A.
Other names: c.22C>T (NM_015154.1); short protein forms R8C.
Identifiers: ClinVar variation 2185233 (VCV002185233.4), dbSNP rs758532744, ClinGen allele CA7694047.